The following is an entry in ClinVar:

ClinVar aggregate classification (germline): Uncertain significance. Review status: reviewed by expert panel (3 of 4 stars). 4 submissions from 4 submitters: Uncertain significance (1). 3 of the submissions do not count toward it. Last evaluated 2025-10-07.

Conditions:
GAMT-related disorder. Also called: GAMT-related condition.
Deficiency of guanidinoacetate methyltransferase (CCDS2). Also called: Guanidinoacetate Methyltransferase (GAMT) Deficiency; GAMT DEFICIENCY; CEREBRAL CREATINE DEFICIENCY SYNDROME 2. Identifiers: Orphanet 382, MedGen C0574080, MONDO:0012999, OMIM 612736.

Allele frequency attached by ClinVar (database versions not stated): gnomAD exomes 0.00001.
gnomAD v4.1: 3 of 1,604,118 alleles (0.00019%); highest among the groups gnomAD compares: East Asian, 0.0022%; no homozygotes.

Submissions (4):

ClinGen Cerebral Creatine Deficiency Syndromes Variant Curation Expert Panel, ClinGen
Classification: Uncertain significance for Deficiency of guanidinoacetate methyltransferase. Last evaluated: 2025-10-07. Review status: reviewed by expert panel. Criteria: ClinGen CCDS ACMG Specifications GAMT V2.0.0. Collection method: curation. Allele origin: germline. Inheritance: Autosomal recessive inheritance.
Comment: The NM_000156.6:c.578A>G variant in GAMT is predicted to result in the substitution of glutamine by arginine at amino acid 193 (p.Gln193Arg). This variant has been identified in one individual with absent creatine peak on brain magnetic resonance spectroscopy (3pts) and elevated urine GAA with low creatine (1pt) with full GAMT gene sequencing (PP4_Strong, 4pts total) (PMID: 23846910). This individual was compound heterozygous for the variant and another variant in GAMT that has been classified as likely pathogenic for GAMT deficiency by the ClinGen CCDS VCEP, c.391G>C (p.Gly131Arg (ClinVar Variation ID: 2446458); phase unknown) (PMID: 23846910) (0.25 points, PM3_Not met). The computational predictor REVEL gives a score of 0.626 which is neither above nor below the thresholds predicting a damaging (>0.644) or benign (<0.29) impact on GAMT function. SpliceAI gives a score of 0.23 for acceptor gain 4 bp upstream (>0.2 suggests possible impact on splicing, but presence of this cryptic splice site is not confirmed by experimental studies). There is a ClinVar entry for this variant (Variation ID: 1328978). In summary, the clinical significance of the p.Gln193Arg variant is uncertain. GAMT-specific ACMG/AMP criteria applied, as specified by the ClinGen Cerebral Creatine Deficiencies Variant Curation Expert Panel (CCDS VCEP) (Specifications Version 2.0.0): PP4_Strong, PM2_Supporting, (Classification approved by the ClinGen Cerebral Creatine Deficiencies Variant Curation Expert Panel on October 7, 2025)

Fulgent Genetics
Classification: Uncertain significance for Deficiency of guanidinoacetate methyltransferase. Last evaluated: 2021-11-22. Review status: criteria provided, single submitter. Criteria: ACMG Guidelines, 2015. Collection method: clinical testing. Allele origin: unknown. Not counted in ClinVar's aggregate classification.

Women's Health and Genetics/Laboratory Corporation of America, LabCorp
Classification: Uncertain significance. Last evaluated: 2021-11-16. Review status: criteria provided, single submitter. Criteria: LabCorp Variant Classification Summary - May 2015. Collection method: clinical testing. Allele origin: germline. Not counted in ClinVar's aggregate classification.
Comment: Variant summary: GAMT c.578A>G (p.Gln193Arg) results in a conservative amino acid change located in the Arginine N-methyltransferase 2-like domain (IPR026480) of the encoded protein sequence. Four of five in-silico tools predict a damaging effect of the variant on protein function. The variant was absent in 242420 control chromosomes. The available data on variant occurrences in the general population are insufficient to allow any conclusion about variant significance. c.578A>G has been reported in the literature as a compound heterozygous genotype in at-least one adult individual affected with Cerebral Creatine Deficiency Syndrome 2 and has been subsequently cited by others (example, Akiyama_2014 and Modi_2021). These data do not allow any conclusion about variant significance. To our knowledge, no experimental evidence demonstrating an impact on protein function has been reported. No clinical diagnostic laboratories have submitted clinical-significance assessments for this variant to ClinVar after 2014. Based on the evidence outlined above, the variant was classified as uncertain significance.

Blueprint Genetics
Classification: Likely pathogenic for GAMT-related disorders. Last evaluated: 2021-03-04. Review status: criteria provided, single submitter. Criteria: ACMG Guidelines, 2015. Collection method: clinical testing. Allele origin: germline. Affected: yes. Observed: 1 variant allele. Not counted in ClinVar's aggregate classification.

Literature cited by the submitters: PubMed 23846910 (cited by Women's Health and Genetics/Laboratory Corporation of America, LabCorp); PubMed 33996490 (cited by Women's Health and Genetics/Laboratory Corporation of America, LabCorp).

NM_000156.6(GAMT):c.578A>G (p.Gln193Arg)

Gene: GAMT (guanidinoacetate N-methyltransferase; minus strand). Cytogenetic location: 19p13.3.
Variant type: single nucleotide variant.
Coding change: c.578A>G on transcript NM_000156.6 (MANE Select); coding-DNA position 578, A replaced by G.
Protein change: p.Gln193Arg; replaces glutamine 193 with arginine.
Molecular consequence: missense variant.
Genome position (GRCh38, 1-based): chr19:1,397,492, T>C on the plus strand (A>G on the coding strand, the complement: GAMT is on the minus strand). VCF-style: chr19-1397492-T-C. GRCh37 (hg19) VCF-style: chr19-1397491-T-C.
Other names: NM_000156.6(GAMT):c.578A>G; p.Gln193Arg; short protein forms Q193R.
Identifiers: ClinVar variation 1328978 (VCV001328978.5), dbSNP rs2082607477, ClinGen allele CA402991040.